The following is an entry in ClinVar:

ClinVar aggregate classification (germline): Pathogenic/Likely pathogenic. Review status: criteria provided, multiple submitters, no conflicts (2 of 4 stars). 18 submissions from 18 submitters: Pathogenic (14); Likely pathogenic (1). 3 of the submissions do not count toward it. Last evaluated 2026-09-06.

Conditions:
Beta-thalassemia HBB/LCRB. Identifiers: MedGen CN322236, MONDO:0013517, OMIM 613985.
Dominant beta-thalassemia. Also called: Beta-thalassemia, dominant inclusion body type. Identifiers: Orphanet 231226, Orphanet 848, MedGen C1858990, MONDO:0011381, OMIM 603902.
Erythrocytosis, familial, 6. Also called: ERYTHROCYTOSIS, BETA-GLOBIN TYPE; POLYCYTHEMIA, BETA-GLOBIN TYPE. Identifiers: MedGen C4693822, MONDO:0054801, OMIM 617980.
Malaria, susceptibility to. Identifiers: Orphanet 673, MedGen C1970028, MONDO:0021024, OMIM 611162.
Hereditary persistence of fetal hemoglobin. Identifiers: MedGen C0019025, MONDO:0020989, OMIM 141749.
METHEMOGLOBINEMIA, BETA TYPE. Also called: Methemoglobinemia, beta-globin type. Identifiers: MedGen C1840779, OMIM 617971.
Heinz body anemia. Also called: Heinz body hemolytic anemia. Identifiers: Orphanet 178330, MedGen C0700299, MONDO:0007705, OMIM 140700, HP:0005511.
Hb SS disease (SCD). Also called: Hemoglobin SS; Sickle cell disease; HbS disease; Hemoglobin S Disease; Sickling disorder due to hemoglobin S; Sickle cell anemia. Identifiers: Orphanet 232, Orphanet 275752, MedGen C0002895, MONDO:0011382, OMIM 603903.
HBB-related disorder. Also called: HBB-related disorders; HBB-related condition. Identifiers: MedGen CN239378.
beta Thalassemia (BTHAL). Also called: Cooley's anemia; Erythroblastic anemia; Mediterranean anemia. Identifiers: Orphanet 848, MedGen C0005283, MONDO:0019402. Disease mechanism: loss of function.
BETA-PLUS-THALASSEMIA. Identifiers: MedGen C3841475.

Allele frequency attached by ClinVar (database versions not stated): gnomAD 0.00001.

Submissions 1 to 12 of 18:

PreventionGenetics, part of Exact Sciences
Classification: Pathogenic for HBB-related condition. Last evaluated: 2026-09-06. Review status: criteria provided, single submitter. Criteria: ACMG Guidelines, 2015. Collection method: clinical testing. Allele origin: germline.
Comment: The HBB c.-78A>G variant is located in the 5' untranslated region. This variant, also referred to as c.-28A>G using legacy nomenclature, has previously been reported to disrupt the TATA box motif within the promoter region leading to decreased transcription. This variant has been reported to be causative for beta-thalassemia hemaglobinopathy (Orkin. 1983. PubMed ID: 6308558; Yamsri. 2011. PubMed ID: 21664157; Kazazian. 1986. PubMed ID: 2875755; Ropero. 2017. PubMed ID: 28385923). This variant is reported in 0.064% of alleles in individuals of East Asian descent in gnomAD. This variant is interpreted as pathogenic.

GeneDx
Classification: Pathogenic. Last evaluated: 2026-06-04. Review status: criteria provided, single submitter. Criteria: GeneDx Variant Classification Process June 2021. Collection method: clinical testing. Allele origin: germline.
Comment: Published functional studies demonstrate reduced expression of beta-globin mRNA (PMID: 6308558); Nucleotide is not conserved across species and the substitution has no predicted effect on splicing; Also known as c.-28A>G; Located in a regulatory region; This variant is associated with the following publications: (PMID: 6308558, 22975760, 25525159, 28385923, 30275481, 9163586, 37311260, 35023007, 31286593, 8161731, 2143120, 28674233, 28671035, 39154456, 21664157, 31395865)

Natera, Inc.
Classification: Pathogenic for Beta thalassemia. Last evaluated: 2025-11-24. Review status: criteria provided, single submitter. Criteria: Natera Variant Classification Schema (03/2026). Collection method: clinical testing. Allele origin: germline.
Comment: The c.-78A>G variant in HBB is a 5' untranslated region (UTR) variant located upstream of the translation start codon. This variant is rare in the general population with a frequency below the threshold expected for the associated phenotype(s). This variant has been observed in one or more individuals affected with the associated recessive disease, as either homozygous or compound heterozygous with a second variant (PMID: 12651274, 9160698, 15182058). Additionally, this variant has been observed to segregate in affected family members (PMID: 12955718). Computational prediction algorithms indicate this variant is likely to affect gene or protein function. Given the available evidence, this variant is classified as Pathogenic.

Otogenetics
Classification: Pathogenic for beta Thalassemia. Last evaluated: 2025-10-31. Review status: criteria provided, single submitter. Criteria: ACMG Guidelines, 2015. Collection method: clinical testing. Allele origin: germline.
Comment: PS3: Well-established in vitro and in vivo functional studies supportive of damaging effect on the gene product, with low residual enzymatic activity relative to wild-type reported (PMID: 6308558); PM2: Maximum gnomAD MAF of 0.0592% in East Asian (EAS) subpopulation (<0.272% threshold); PM3_VeryStrong: Variant reported in homozygous state in one affected individual and in trans with 3 pathogenic variants in 7 individuals affected with beta thalassemia (PMID: 6308558, 9160698, 28865746)

Genesolutions, Medical Genetics Institutes, Ho Chi Minh City, Vietnam
Classification: Pathogenic for Beta-thalassemia HBB/LCRB. Last evaluated: 2025-09-24. Review status: criteria provided, single submitter. Criteria: ACMG Guidelines, 2015. Collection method: clinical testing. Allele origin: germline. Affected: yes.

ARUP Laboratories, Molecular Genetics and Genomics, ARUP Laboratories
Classification: Pathogenic. Last evaluated: 2025-05-12. Review status: criteria provided, single submitter. Criteria: ARUP Molecular Germline Variant Investigation Process 2024. Collection method: clinical testing. Allele origin: germline.
Comment: The HBB c.-78A>G variant (also known as -28A>G, rs33931746, HbVar ID: 769) is a common beta+ thalassemia variant found in Asian populations (see HbVar link, Yamsri 2011), and has been reported in an individual with beta thalassemia who was homozygous for the variant (Orkin 1983). In addition, functional characterization of the variant indicates a 3-5 fold reduction of beta globin mRNA (Orkin 1983). This variant is absent from the Genome Aggregation Database, indicating it is not a common polymorphism. The c.-78A>G variant is located in a conserved region of the beta globin gene promoter and is considered to be pathogenic. References: Link to HbVar database: Orkin SH et al. ATA box transcription mutation in beta-thalassemia. Nucleic Acids Res. 1983 Jul 25;11(14):4727-34. PMID: 6308558. Yamsri S et al. Genotype and phenotype characterizations in a large cohort of beta-thalassemia heterozygote with different forms of alpha-thalassemia in northeast Thailand. Blood Cells Mol Dis. 2011 Aug 15;47(2):120-4. PMID: 21664157.

3billion
Classification: Pathogenic for Beta-thalassemia HBB/LCRB. Last evaluated: 2024-11-27. Review status: criteria provided, single submitter. Criteria: ACMG Guidelines, 2015. Collection method: clinical testing. Allele origin: germline. Affected: yes.
Comment: The variant is observed at an extremely low frequency in the gnomAD v4.1.0 dataset (total allele frequency: 0.003%). Predicted Consequence/Location: Non coding variant The variant has been reported to be in trans with a pathogenic variant as either compound heterozygous or homozygous in at least 2 similarly affected unrelated individuals (PMID: 20035706, 28385923). The variant has been reported at least twice as pathogenic with clinical assertions and evidence for the classification (ClinVar ID: VCV000015471 /PMID: 6308558). Therefore, this variant is classified as Pathogenic according to the recommendation of ACMG/AMP guideline.

Blueprint Genetics
Classification: Pathogenic for HBB-related disorders. Last evaluated: 2024-11-25. Review status: criteria provided, single submitter. Criteria: ACMG Guidelines, 2015. Collection method: clinical testing. Allele origin: germline. Affected: yes. Observed: 4 variant alleles.

Fulgent Genetics
Classification: Pathogenic for Heinz body anemia; Hereditary persistence of fetal hemoglobin; Dominant beta-thalassemia; Hb SS disease; Malaria, susceptibility to; Beta-thalassemia HBB/LCRB; METHEMOGLOBINEMIA, BETA TYPE; Erythrocytosis, familial, 6. Last evaluated: 2024-03-26. Review status: criteria provided, single submitter. Criteria: ACMG Guidelines, 2015. Collection method: clinical testing. Allele origin: germline.

Labcorp Genetics (formerly Invitae), Labcorp
Classification: Pathogenic. Last evaluated: 2024-03-13. Review status: criteria provided, single submitter. Criteria: Invitae Variant Classification Sherloc (09022015). Collection method: clinical testing. Allele origin: germline.
Comment: This variant occurs in a non-coding region of the HBB gene. It does not change the encoded amino acid sequence of the HBB protein. This variant is present in population databases (rs33931746, gnomAD 0.06%). This variant has been observed in individual(s) with autosomal recessive beta thalassemia (PMID: 2014803, 8435318, 20035706, 28385923). In at least one individual the data is consistent with being in trans (on the opposite chromosome) from a pathogenic variant. This variant is also known as -28A>G. ClinVar contains an entry for this variant (Variation ID: 15471). Algorithms developed to predict the effect of variants on protein structure and function are not available or were not evaluated for this variant. Experimental studies have shown that this variant affects HBB function (PMID: 6308558). For these reasons, this variant has been classified as Pathogenic.

Myriad Genetics, Inc.
Classification: Likely pathogenic for Beta-thalassemia HBB/LCRB. Last evaluated: 2019-12-09. Review status: criteria provided, single submitter. Criteria: Myriad Women's Health Autosomal Recessive and X-Linked Classification Criteria (2019). Collection method: clinical testing. Allele origin: unknown.
Comment: NM_000518.4(HBB):c.-78A>G(aka -28A>G) is classified as likely pathogenic in the context of Hb beta chain-related hemoglobinopathy and is a beta-plus variant associated with beta thalessemia. Sources cited for classification include the following: PMID 8435318, 9160698 and 6308558. Classification of NM_000518.4(HBB):c.-78A>G(aka -28A>G) is based on the following criteria: This variant has been observed more frequently in patients with clinical diagnoses than in healthy populations. Please note: this variant was assessed in the context of healthy population screening.

Quest Diagnostics Nichols Institute San Juan Capistrano
Classification: Pathogenic. Last evaluated: 2017-04-20. Review status: criteria provided, single submitter. Criteria: Quest Diagnostics criteria. Collection method: clinical testing. Allele origin: germline.

NM_000518.5(HBB):c.-78A>G

Genes: HBB (hemoglobin subunit beta; minus strand), LOC106099062 (HBB recombination region; plus strand), LOC107133510 (origin of replication at HBB; plus strand). Cytogenetic location: 11p15.4.
Variant type: single nucleotide variant.
Coding change: c.-78A>G on transcript NM_000518.5 (MANE Select); 78 bases upstream of the start codon, A replaced by G.
Genome position (GRCh38, 1-based): chr11:5,227,099, T>C on the plus strand (A>G on the coding strand, the complement: HBB is on the minus strand). VCF-style: chr11-5227099-T-C. GRCh37 (hg19) VCF-style: chr11-5248329-T-C.
Other names: -28A>G; -28 (A>G); -28A-G, PROMOTER.
Identifiers: ClinVar variation 15471 (VCV000015471.129), dbSNP rs33931746, ClinGen allele CA125329.